The following is an entry in ClinVar:

NM_002691.4(POLD1):c.106dup (p.Glu36fs)

Gene: POLD1 (DNA polymerase delta 1, catalytic subunit; plus strand). Cytogenetic location: 19q13.33.
Variant type: Duplication.
Coding change: c.106dup on transcript NM_002691.4 (MANE Select); coding-DNA position 106, one base duplicated (G; older notation c.106dupG).
Protein change: p.Glu36fs; shifts the reading frame from glutamic acid 36.
Molecular consequence: frameshift variant. On other transcripts: non-coding transcript variant (1).
Genome position (GRCh38, 1-based): chr19:50,398,957, G duplicated; the last of 2 consecutive G bases (chr19:50,398,956-50,398,957); duplicating either gives the same sequence. VCF-style (leftmost placement, unchanged base first): chr19-50398955-A-AG. GRCh37 (hg19) VCF-style: chr19-50902212-A-AG.
Other names: c.106dup, p.Glu36fs (NM_001256849.1, NM_001308632.1, NM_001438210.1 and 3 more transcripts); short protein forms E36fs.
Identifiers: ClinVar variation 4844381 (VCV004844381.1).

ClinVar aggregate classification (germline): Uncertain significance (1 of 4 stars; one submission).

Conditions:
Hereditary cancer-predisposing syndrome. Also called: Neoplastic Syndromes, Hereditary; Tumor predisposition; Hereditary Cancer Syndrome; Hereditary neoplastic syndrome. Identifiers: Orphanet 140162, MedGen C0027672, MeSH D009386, MONDO:0015356.

Submission:

Ambry Genetics
Classification: Uncertain significance for Hereditary cancer-predisposing syndrome. Last evaluated: 2026-01-15. Review status: criteria provided, single submitter. Criteria: Ambry Variant Classification Scheme 2023. Collection method: clinical testing. Allele origin: germline.
Comment: The c.106dupG variant, located in coding exon 1 of the POLD1 gene, results from a duplication of G at nucleotide position 106, causing a translational frameshift with a predicted alternate stop codon (p.E36Gfs*67). This alteration is expected to result in protein truncation or nonsense-mediated mRNA decay. However, loss of function of POLD1 has not been established as a mechanism of disease. Based on the available evidence, the clinical significance of this alteration remains unclear.